The following is an entry in ClinVar:

ClinVar aggregate classification (germline): Uncertain significance. Review status: criteria provided, multiple submitters, no conflicts (2 of 4 stars). 3 submissions from 3 submitters: Uncertain significance (3). Last evaluated 2026-07-02.

Conditions:
Hereditary cancer-predisposing syndrome. Also called: Tumor predisposition; Hereditary Cancer Syndrome; Hereditary neoplastic syndrome; Neoplastic Syndromes, Hereditary. Identifiers: Orphanet 140162, MedGen C0027672, MeSH D009386, MONDO:0015356.
Hereditary nonpolyposis colorectal neoplasms. Identifiers: MedGen C0009405, MeSH D003123.

Submissions (3):

Ambry Genetics
Classification: Uncertain significance for Hereditary cancer-predisposing syndrome. Last evaluated: 2026-07-02. Review status: criteria provided, single submitter. Criteria: Ambry Variant Classification Scheme 2023. Collection method: clinical testing. Allele origin: germline.
Comment: The p.D936E variant (also known as c.2808T>A), located in coding exon 4 of the MSH6 gene, results from a T to A substitution at nucleotide position 2808. The aspartic acid at codon 936 is replaced by glutamic acid, an amino acid with highly similar properties. This amino acid position is conserved. In addition, this alteration is predicted to be tolerated by in silico analysis. Based on the available evidence, the clinical significance of this variant remains unclear.

Color Diagnostics, LLC DBA Color Health
Classification: Uncertain significance for Hereditary cancer-predisposing syndrome. Last evaluated: 2020-09-27. Review status: criteria provided, single submitter. Criteria: ACMG Guidelines, 2015. Collection method: clinical testing. Allele origin: germline.
Comment: This missense variant replaces aspartic acid with glutamic acid at codon 936 of the MSH6 protein. Computational prediction suggests that this variant may not impact protein structure and function (internally defined REVEL score threshold <= 0.5, PMID: 27666373). To our knowledge, functional studies have not been reported for this variant. This variant has not been reported in individuals affected with hereditary cancer in the literature. This variant has not been identified in the general population by the Genome Aggregation Database (gnomAD). The available evidence is insufficient to determine the role of this variant in disease conclusively. Therefore, this variant is classified as a Variant of Uncertain Significance.

Labcorp Genetics (formerly Invitae), Labcorp
Classification: Uncertain significance for Hereditary nonpolyposis colorectal neoplasms. Last evaluated: 2020-01-27. Review status: criteria provided, single submitter. Criteria: Invitae Variant Classification Sherloc (09022015). Collection method: clinical testing. Allele origin: germline.
Comment: In summary, the available evidence is currently insufficient to determine the role of this variant in disease. Therefore, it has been classified as a Variant of Uncertain Significance. Algorithms developed to predict the effect of missense changes on protein structure and function are either unavailable or do not agree on the potential impact of this missense change (SIFT: "Tolerated"; PolyPhen-2: "Probably Damaging"; Align-GVGD: "Class C0"). This variant has not been reported in the literature in individuals with MSH6-related conditions. This variant is not present in population databases (ExAC no frequency). This sequence change replaces aspartic acid with glutamic acid at codon 936 of the MSH6 protein (p.Asp936Glu). The aspartic acid residue is moderately conserved and there is a small physicochemical difference between aspartic acid and glutamic acid.

NM_000179.3(MSH6):c.2808T>A (p.Asp936Glu)

Gene: MSH6 (mutS homolog 6; plus strand). Cytogenetic location: 2p16.3.
Variant type: single nucleotide variant.
Coding change: c.2808T>A on transcript NM_000179.3 (MANE Select); coding-DNA position 2808, T replaced by A.
Protein change: p.Asp936Glu; replaces aspartic acid 936 with glutamic acid.
Molecular consequence: missense variant.
Genome position (GRCh38, 1-based): chr2:47,800,791, T>A. VCF-style: chr2-47800791-T-A. GRCh37 (hg19) VCF-style: chr2-48027930-T-A.
Other names: c.2418T>A, p.Asp806Glu (NM_001281492.2); c.1902T>A, p.Asp634Glu (NM_001281493.2, NM_001281494.2); short protein forms D634E, D806E, D936E.
Identifiers: ClinVar variation 1024541 (VCV001024541.13), dbSNP rs771925410, ClinGen allele CA346755613.